The following is an entry in ClinVar:

ClinVar aggregate classification (germline): Uncertain significance (1 of 4 stars; one submission).

Allele frequency attached by ClinVar (database versions not stated): gnomAD exomes below 0.00001; TOPMed below 0.00001; gnomAD 0.00001.
gnomAD v4.1: 5 of 1,614,074 alleles (0.00031%); highest among the groups gnomAD compares: Non-Finnish European, 0.00042%; no homozygotes.

Submission:

Labcorp Genetics (formerly Invitae), Labcorp
Classification: Uncertain significance. Last evaluated: 2022-07-06. Review status: criteria provided, single submitter. Criteria: Invitae Variant Classification Sherloc (09022015). Collection method: clinical testing. Allele origin: germline.
Comment: This sequence change replaces arginine, which is basic and polar, with glycine, which is neutral and non-polar, at codon 1826 of the SPEG protein (p.Arg1826Gly). This variant is not present in population databases (gnomAD no frequency). This variant has not been reported in the literature in individuals affected with SPEG-related conditions. ClinVar contains an entry for this variant (Variation ID: 1357376). Algorithms developed to predict the effect of missense changes on protein structure and function are either unavailable or do not agree on the potential impact of this missense change (SIFT: "Deleterious"; PolyPhen-2: "Probably Damaging"; Align-GVGD: "Class C0"). In summary, the available evidence is currently insufficient to determine the role of this variant in disease. Therefore, it has been classified as a Variant of Uncertain Significance.

NM_005876.5(SPEG):c.5476A>G (p.Arg1826Gly)

Gene: SPEG (striated muscle enriched protein kinase; plus strand). Cytogenetic location: 2q35.
Variant type: single nucleotide variant.
Coding change: c.5476A>G on transcript NM_005876.5 (MANE Select); coding-DNA position 5476, A replaced by G.
Protein change: p.Arg1826Gly; replaces arginine 1826 with glycine.
Molecular consequence: missense variant.
Genome position (GRCh38, 1-based): chr2:219,481,410, A>G. VCF-style: chr2-219481410-A-G. GRCh37 (hg19) VCF-style: chr2-220346132-A-G.
Other names: short protein forms R1826G.
Identifiers: ClinVar variation 1357376 (VCV001357376.3), dbSNP rs1692828116, ClinGen allele CA350690146.